The following is an entry in ClinVar:

ClinVar aggregate classification (germline): Likely pathogenic (1 of 4 stars; one submission).

Conditions:
Ichthyosis linearis circumflexa. Identifiers: MedGen C0265962, MONDO:0043106, HP:0025810.

gnomAD v4.1: 1 of 1,613,352 alleles (0.000062%); highest among the groups gnomAD compares: East Asian, 0.0022%; no homozygotes.

Submission:

Labcorp Genetics (formerly Invitae), Labcorp
Classification: Likely pathogenic for Ichthyosis linearis circumflexa. Last evaluated: 2025-06-01. Review status: criteria provided, single submitter. Criteria: Invitae Variant Classification Sherloc (09022015). Collection method: clinical testing. Allele origin: germline.
Comment: This sequence change affects a donor splice site in intron 21 of the SPINK5 gene. It is expected to disrupt RNA splicing. Variants that disrupt the donor or acceptor splice site typically lead to a loss of protein function (PMID: 16199547), and loss-of-function variants in SPINK5 are known to be pathogenic (PMID: 11511292, 11841556). This variant is not present in population databases (gnomAD no frequency). This variant has not been reported in the literature in individuals affected with SPINK5-related conditions. ClinVar contains an entry for this variant (Variation ID: 2878193). Algorithms developed to predict the effect of sequence changes on RNA splicing suggest that this variant may disrupt the consensus splice site. In summary, the currently available evidence indicates that the variant is pathogenic, but additional data are needed to prove that conclusively. Therefore, this variant has been classified as Likely Pathogenic.

Literature cited by the submitters: PubMed 16199547; PubMed 11511292; PubMed 11841556.

NM_006846.4(SPINK5):c.2015+1G>T

Gene: SPINK5 (serine peptidase inhibitor Kazal type 5; plus strand). Cytogenetic location: 5q32.
Variant type: single nucleotide variant.
Coding change: c.2015+1G>T on transcript NM_006846.4 (MANE Select); the canonical splice donor site of the intron after coding-DNA position 2015, G replaced by T.
Molecular consequence: splice donor variant.
Genome position (GRCh38, 1-based): chr5:148,114,490, G>T. VCF-style: chr5-148114490-G-T. GRCh37 (hg19) VCF-style: chr5-147494053-G-T.
Other names: c.2015+1G>T (NM_001127698.2, NM_001127699.2).
Identifiers: ClinVar variation 2878193 (VCV002878193.3), dbSNP rs1754033945, ClinGen allele CA361642746.